The following is an entry in ClinVar:

ClinVar aggregate classification (germline): Uncertain significance (1 of 4 stars; one submission).

gnomAD v4.1: 12 of 1,613,716 alleles (0.00074%); highest among the groups gnomAD compares: Non-Finnish European, 0.001%; no homozygotes.

Submission:

GeneDx
Classification: Uncertain significance. Last evaluated: 2023-05-16. Review status: criteria provided, single submitter. Criteria: GeneDx Variant Classification Process June 2021. Collection method: clinical testing. Allele origin: germline. Affected: yes.
Comment: Not observed at significant frequency in large population cohorts (gnomAD); In silico analysis supports that this missense variant does not alter protein structure/function; Has not been previously published as pathogenic or benign to our knowledge

NM_004370.6(COL12A1):c.5275C>G (p.Leu1759Val)

Gene: COL12A1 (collagen type XII alpha 1 chain; minus strand). Cytogenetic location: 6q13.
Variant type: single nucleotide variant.
Coding change: c.5275C>G on transcript NM_004370.6 (MANE Select); coding-DNA position 5275, C replaced by G.
Protein change: p.Leu1759Val; replaces leucine 1759 with valine.
Molecular consequence: missense variant.
Genome position (GRCh38, 1-based): chr6:75,137,556, G>C on the plus strand (C>G on the coding strand, the complement: COL12A1 is on the minus strand). VCF-style: chr6-75137556-G-C. GRCh37 (hg19) VCF-style: chr6-75847272-G-C.
Other names: c.5275C>G, p.Leu1759Val (NM_001424113.1); c.5254C>G, p.Leu1752Val (NM_001424114.1); c.5002C>G, p.Leu1668Val (NM_001424115.1); c.1783C>G, p.Leu595Val (NM_001424116.1, NM_080645.3); short protein forms L1668V, L1752V, L1759V, L595V.
Identifiers: ClinVar variation 3343398 (VCV003343398.1).
Genomic context (GRCh38, chr6:75,137,556, plus strand): 5'-GACCACTAGCAGGATCCCACTTAACAGTCAGGCTGTTAGATGTTGCATTGTACACTTGAA[G>C]GTTTCGTGGGCCACTTTTGGGAGCTGAAAGAAGATTGTTGAAAAACTGAGTAAGCAGACA-3'
Protein context (NP_004361.3, residues 1749-1769): TQAPKSGPRN[Leu1759Val]QVYNATSNSL